The following is an entry in ClinVar:

NM_000264.5(PTCH1):c.17del (p.Asn6fs)

Genes: PTCH1 (patched 1; minus strand), LOC130002133 (ATAC-STARR-seq lymphoblastoid silent region 20071; plus strand). Cytogenetic location: 9q22.32.
Variant type: Deletion.
Coding change: c.17del on transcript NM_000264.5 (MANE Select); coding-DNA position 17, one base deleted (A; older notation c.17delA).
Protein change: p.Asn6fs; shifts the reading frame from asparagine 6.
Molecular consequence: frameshift variant. On other transcripts: non-coding transcript variant (1), intron variant (3).
Genome position (GRCh38, 1-based): chr9:95,508,345, T deleted on the plus strand (A on the coding strand, the reverse complement: PTCH1 is on the minus strand); the first of 2 consecutive T bases (chr9:95,508,345-95,508,346); deleting either gives the same sequence. VCF-style (leftmost placement, unchanged base first): chr9-95508344-GT-G. GRCh37 (hg19) VCF-style: chr9-98270626-GT-G.
Other names: c.17del, p.Asn6fs (NM_001354918.2); c.199-1746del (NM_001083603.3); c.4-1746del (NM_001083602.3, NM_001354919.2); c.17delA (NM_000264.3); short protein forms N6fs.
Identifiers: ClinVar variation 3230956 (VCV003230956.1), dbSNP rs2538404834, ClinGen allele CA2825001651.

ClinVar aggregate classification (germline): Uncertain significance (1 of 4 stars; one submission).

Conditions:
Hereditary cancer-predisposing syndrome. Also called: Neoplastic Syndromes, Hereditary; Tumor predisposition; Hereditary neoplastic syndrome; Hereditary Cancer Syndrome. Identifiers: Orphanet 140162, MedGen C0027672, MeSH D009386, MONDO:0015356.

Submission:

Ambry Genetics
Classification: Uncertain significance for Hereditary cancer-predisposing syndrome. Last evaluated: 2023-09-16. Review status: criteria provided, single submitter. Criteria: Ambry Variant Classification Scheme 2023. Collection method: clinical testing. Allele origin: germline.
Comment: The c.17delA variant, located in coding exon 1 of the PTCH1 gene, results from a deletion of one nucleotide at nucleotide position 17, causing a translational frameshift with a predicted alternate stop codon (p.N6Tfs*74). Premature termination codons are typically deleterious in nature, however there are alternative initiation (or start) codons in other potentially relevant transcript(s) lacking this exon, therefore the impact of this alteration is not clear. Since supporting evidence is limited at this time, the clinical significance of this alteration remains unclear .